The following is an entry in ClinVar:

ClinVar aggregate classification (germline): Pathogenic (1 of 4 stars; one submission).

Conditions:
Osteogenesis imperfecta type 8 (OI8). Identifiers: MedGen C1970458, MONDO:0012581, OMIM 610915.

Submission:

Labcorp Genetics (formerly Invitae), Labcorp
Classification: Pathogenic for Osteogenesis imperfecta type 8. Last evaluated: 2023-02-11. Review status: criteria provided, single submitter. Criteria: Invitae Variant Classification Sherloc (09022015). Collection method: clinical testing. Allele origin: germline.
Comment: This variant has not been reported in the literature in individuals affected with P3H1-related conditions. For these reasons, this variant has been classified as Pathogenic. This variant is not present in population databases (gnomAD no frequency). This sequence change creates a premature translational stop signal (p.Glu364*) in the P3H1 gene. It is expected to result in an absent or disrupted protein product. Loss-of-function variants in P3H1 are known to be pathogenic (PMID: 17277775, 18566967, 19088120, 22281939).

Literature cited by the submitters: PubMed 17277775; PubMed 18566967; PubMed 19088120; PubMed 22281939.

NM_022356.4(P3H1):c.1090G>T (p.Glu364Ter)

Gene: P3H1 (prolyl 3-hydroxylase 1; minus strand). Cytogenetic location: 1p34.2.
Variant type: single nucleotide variant.
Coding change: c.1090G>T on transcript NM_022356.4 (MANE Select); coding-DNA position 1090, G replaced by T.
Protein change: p.Glu364Ter; replaces glutamic acid 364 with a stop codon.
Molecular consequence: nonsense.
Genome position (GRCh38, 1-based): chr1:42,755,628, C>A on the plus strand (G>T on the coding strand, the complement: P3H1 is on the minus strand). VCF-style: chr1-42755628-C-A. GRCh37 (hg19) VCF-style: chr1-43221299-C-A.
Other names: c.1090G>T, p.Glu364Ter (NM_001146289.2, NM_001243246.2); short protein forms E364*.
Identifiers: ClinVar variation 2836294 (VCV002836294.3), dbSNP rs2524456560, ClinGen allele CA339958416.